The following is an entry in ClinVar:

NM_002860.4(ALDH18A1):c.199C>A (p.Leu67Met)

Gene: ALDH18A1 (aldehyde dehydrogenase 18 family member A1; minus strand). Cytogenetic location: 10q24.1.
Variant type: single nucleotide variant.
Coding change: c.199C>A on transcript NM_002860.4 (MANE Select); coding-DNA position 199, C replaced by A.
Protein change: p.Leu67Met; replaces leucine 67 with methionine.
Molecular consequence: missense variant. On other transcripts: intron variant (4).
Genome position (GRCh38, 1-based): chr10:95,643,096, G>T on the plus strand (C>A on the coding strand, the complement: ALDH18A1 is on the minus strand). VCF-style: chr10-95643096-G-T. GRCh37 (hg19) VCF-style: chr10-97402853-G-T.
Other names: c.199C>A, p.Leu67Met (NM_001017423.2, NM_001323413.2, NM_001323414.2 and 2 more transcripts); c.-78-9447C>A (NM_001323419.2); c.-30-5660C>A (NM_001323412.2, NM_001323418.2, NM_001323416.2); short protein forms L67M.
Identifiers: ClinVar variation 4981640 (VCV004981640.1).

ClinVar aggregate classification (germline): Uncertain significance (1 of 4 stars; one submission).

Conditions:
ALDH18A1-related disorder. Also called: ALDH18A1-related disorders.

gnomAD v4.1: 1 of 1,614,118 alleles (0.000062%); highest among the groups gnomAD compares: South Asian, 0.0011%; no homozygotes.

Submission:

PreventionGenetics, part of Exact Sciences
Classification: Uncertain significance for ALDH18A1-related condition. Last evaluated: 2025-02-28. Review status: criteria provided, single submitter. Criteria: ACMG Guidelines, 2015. Collection method: clinical testing. Allele origin: germline.
Comment: The ALDH18A1 c.199C>A variant is predicted to result in the amino acid substitution p.Leu67Met. To our knowledge, this variant has not been reported in the literature or in a large population database (gnomAD), indicating this variant is rare. At this time, the clinical significance of this variant is uncertain due to the absence of conclusive functional and genetic evidence.